The following is an entry in ClinVar:

NM_001242896.3(DEPDC5):c.4008A>G (p.Gly1336=)

Gene: DEPDC5 (DEP domain containing 5, GATOR1 subcomplex subunit; plus strand). Cytogenetic location: 22q12.3.
Variant type: single nucleotide variant.
Coding change: c.4008A>G on transcript NM_001242896.3 (MANE Select); coding-DNA position 4008, A replaced by G.
Protein change: p.Gly1336=; no amino-acid change (glycine 1336 retained).
Molecular consequence: synonymous variant. On other transcripts: non-coding transcript variant (5).
Genome position (GRCh38, 1-based): chr22:31,879,727, A>G. VCF-style: chr22-31879727-A-G. GRCh37 (hg19) VCF-style: chr22-32275713-A-G.
Other names: c.3981A>G, p.Gly1327= (NM_001136029.4); c.3708A>G, p.Gly1236= (NM_001242897.2); c.3942A>G, p.Gly1314= (NM_001363852.2, NM_001364320.2); c.3774A>G, p.Gly1258= (NM_001363854.2, NM_001364319.2); c.4008A>G, p.Gly1336= (NM_001364318.2); c.3924A>G, p.Gly1308= (NM_001369901.1, NM_001369902.1); c.3915A>G, p.Gly1305= (NM_001369903.1, NM_014662.6).
Identifiers: ClinVar variation 2850926 (VCV002850926.3), dbSNP rs2522696445, ClinGen allele CA514268895.
Genomic context (GRCh38, chr22:31,879,727, plus strand): 5'-GCCTAGCCGGCCAGCCTCCTATGCAAGTAGGCACAGCTCCTTTAGCCGAAGTTTTGGAGG[A>G]CGGAGCCAGGCGGCAGCACTTTTAGGTACATGCTCAACCCAGACAAGGTCTGAGGGTGTG-3'
Protein context (NP_001229825.1, residues 1326-1346): RHSSFSRSFG[Gly1336=]RSQAAALLAA

ClinVar aggregate classification (germline): Uncertain significance (1 of 4 stars; one submission).

Conditions:
Familial focal epilepsy with variable foci (FPEVF). Identifiers: Orphanet 98820, MedGen C1858477, MONDO:0020310.

Submission:

Labcorp Genetics (formerly Invitae), Labcorp
Classification: Uncertain significance for Familial focal epilepsy with variable foci. Last evaluated: 2023-06-20. Review status: criteria provided, single submitter. Criteria: Invitae Variant Classification Sherloc (09022015). Collection method: clinical testing. Allele origin: germline.
Comment: In summary, the available evidence is currently insufficient to determine the role of this variant in disease. Therefore, it has been classified as a Variant of Uncertain Significance. Algorithms developed to predict the effect of sequence changes on RNA splicing suggest that this variant may create or strengthen a splice site. This variant has not been reported in the literature in individuals affected with DEPDC5-related conditions. This variant is not present in population databases (gnomAD no frequency). This sequence change affects codon 1336 of the DEPDC5 mRNA. It is a 'silent' change, meaning that it does not change the encoded amino acid sequence of the DEPDC5 protein.